The following is an entry in ClinVar:

NM_001082486.2(ACD):c.536A>G (p.Gln179Arg)

Gene: ACD (ACD shelterin complex subunit and telomerase recruitment factor; minus strand). Cytogenetic location: 16q22.1.
Variant type: single nucleotide variant.
Coding change: c.536A>G on transcript NM_001082486.2 (MANE Select); coding-DNA position 536, A replaced by G.
Protein change: p.Gln179Arg; replaces glutamine 179 with arginine.
Molecular consequence: missense variant.
Genome position (GRCh38, 1-based): chr16:67,659,037, T>C on the plus strand (A>G on the coding strand, the complement: ACD is on the minus strand). VCF-style: chr16-67659037-T-C. GRCh37 (hg19) VCF-style: chr16-67692940-T-C.
Other names: c.536A>G, p.Gln179Arg (NM_001410884.1); c.527A>G, p.Gln176Arg (NM_022914.3); short protein forms Q176R, Q179R.
Identifiers: ClinVar variation 1761350 (VCV001761350.5), dbSNP rs754351563, ClinGen allele CA8114627.

ClinVar aggregate classification (germline): Uncertain significance. Review status: criteria provided, multiple submitters, no conflicts (2 of 4 stars). 2 submissions from 2 submitters: Uncertain significance (2). Last evaluated 2025-11-23.

Conditions:
Dyskeratosis congenita, autosomal dominant 6 (DKCA6). Identifiers: Orphanet 3322, MedGen C4225284, MONDO:0014690, OMIM 616553.
Inborn genetic diseases. Identifiers: MedGen C0950123, MeSH D030342.

Allele frequency attached by ClinVar (database versions not stated): gnomAD exomes below 0.00001; ExAC 0.00001; TOPMed 0.00002.
gnomAD v4.1: 2 of 1,613,942 alleles (0.00012%); highest among the groups gnomAD compares: Admixed American, 0.0033%; no homozygotes.

Submissions (2):

Labcorp Genetics (formerly Invitae), Labcorp
Classification: Uncertain significance for Dyskeratosis congenita, autosomal dominant 6. Last evaluated: 2025-11-23. Review status: criteria provided, single submitter. Criteria: Invitae Variant Classification Sherloc (09022015). Collection method: clinical testing. Allele origin: germline.
Comment: This sequence change replaces glutamine, which is neutral and polar, with arginine, which is basic and polar, at codon 265 of the ACD protein (p.Gln265Arg). This variant is present in population databases (rs754351563, gnomAD 0.006%). This variant has not been reported in the literature in individuals affected with ACD-related conditions. ClinVar contains an entry for this variant (Variation ID: 1761350). Invitae Evidence Modeling of protein sequence and biophysical properties (such as structural, functional, and spatial information, amino acid conservation, physicochemical variation, residue mobility, and thermodynamic stability) indicates that this missense variant is not expected to disrupt ACD protein function with a negative predictive value of 80%. In summary, the available evidence is currently insufficient to determine the role of this variant in disease. Therefore, it has been classified as a Variant of Uncertain Significance.

Ambry Genetics
Classification: Uncertain significance for Inborn genetic diseases. Last evaluated: 2024-02-10. Review status: criteria provided, single submitter. Criteria: Ambry Variant Classification Scheme 2023. Collection method: clinical testing. Allele origin: germline.
Comment: The p.Q265R variant (also known as c.794A>G), located in coding exon 7 of the ACD gene, results from an A to G substitution at nucleotide position 794. The glutamine at codon 265 is replaced by arginine, an amino acid with highly similar properties. This amino acid position is conserved. In addition, this alteration is predicted to be tolerated by in silico analysis. Since supporting evidence is limited at this time, the clinical significance of this alteration remains unclear.